The following is an entry in ClinVar:

NM_000038.6(APC):c.1409-7A>G

Gene: APC (APC regulator of Wnt signaling pathway; plus strand). Cytogenetic location: 5q22.2.
Variant type: single nucleotide variant.
Coding change: c.1409-7A>G on transcript NM_000038.6 (MANE Select); 7 bases into the intron before coding-DNA position 1409, A replaced by G.
Molecular consequence: intron variant.
Genome position (GRCh38, 1-based): chr5:112,827,101, A>G. VCF-style: chr5-112827101-A-G. GRCh37 (hg19) VCF-style: chr5-112162798-A-G.
Other names: c.1355-7A>G (NM_001127511.3); c.1463-7A>G (NM_001407448.1, NM_001407449.1, NM_001407447.1 and 1 more transcripts); c.1409-7A>G (NM_001407450.1, NM_001127510.3, NM_001354895.2); c.1160-7A>G (NM_001407457.1, NM_001407455.1, NM_001407456.1 and 1 more transcripts); c.1106-7A>G (NM_001407458.1, NM_001407459.1, NM_001407460.1 and 1 more transcripts); c.1232-7A>G (NM_001407453.1, NM_001354901.2); c.1388-7A>G (NM_001407451.1); c.1031-7A>G (NM_001354904.2); and 11 more.
Identifiers: ClinVar variation 3148751 (VCV003148751.2), dbSNP rs2149808296, ClinGen allele CA2709972718.

ClinVar aggregate classification (germline): Likely benign. Review status: criteria provided, multiple submitters, no conflicts (2 of 4 stars). 2 submissions from 2 submitters: Likely benign (2). Last evaluated 2025-05-05.

Conditions:
Familial adenomatous polyposis 1 (FAP1). Also called: POLYPOSIS, ADENOMATOUS INTESTINAL; FAMILIAL ADENOMATOUS POLYPOSIS 1, ATTENUATED. Identifiers: MedGen C2713442, MONDO:0021056, OMIM 175100. Disease mechanism: loss of function.

Submissions (2):

Labcorp Genetics (formerly Invitae), Labcorp
Classification: Likely benign for Familial adenomatous polyposis 1. Last evaluated: 2025-05-05. Review status: criteria provided, single submitter. Criteria: Invitae Variant Classification Sherloc (09022015). Collection method: clinical testing. Allele origin: germline.

Myriad Genetics, Inc.
Classification: Likely benign for Familial adenomatous polyposis 1. Last evaluated: 2024-03-01. Review status: criteria provided, single submitter. Criteria: Myriad Autosomal Dominant, Autosomal Recessive and X-Linked Classification Criteria (2023). Collection method: clinical testing. Allele origin: unknown.
Comment: This variant is considered likely benign. This variant is intronic and is not expected to impact mRNA splicing.